The following is an entry in ClinVar:

ClinVar aggregate classification (germline): Benign/Likely benign. Review status: criteria provided, multiple submitters, no conflicts (2 of 4 stars). 11 submissions from 11 submitters: Benign (2); Likely benign (9). Last evaluated 2025-11-11.

Conditions:
Hereditary nonpolyposis colorectal neoplasms. Identifiers: MedGen C0009405, MeSH D003123.
Hereditary cancer-predisposing syndrome. Also called: Hereditary neoplastic syndrome; Hereditary Cancer Syndrome; Neoplastic Syndromes, Hereditary; Tumor predisposition. Identifiers: Orphanet 140162, MedGen C0027672, MeSH D009386, MONDO:0015356.
Lynch syndrome. Identifiers: Orphanet 144, MedGen C4552100, MONDO:0005835. Disease mechanism: loss of function.
Lynch syndrome 4 (LYNCH4). Also called: Colorectal cancer, hereditary nonpolyposis, type 4; Hereditary non-polyposis colorectal cancer, type 4. Identifiers: Orphanet 144, MedGen C1838333, MONDO:0013699, OMIM 614337. Disease mechanism: loss of function.

Allele frequency attached by ClinVar (database versions not stated): ExAC 0.00001; gnomAD 0.00001; gnomAD exomes 0.00001; TOPMed 0.00003.
gnomAD v4.1: 13 of 1,604,904 alleles (0.00081%); highest among the groups gnomAD compares: African/African-American, 0.004%; no homozygotes.

Submissions (11):

Labcorp Genetics (formerly Invitae), Labcorp
Classification: Likely benign for Hereditary nonpolyposis colorectal neoplasms. Last evaluated: 2025-11-11. Review status: criteria provided, single submitter. Criteria: Invitae Variant Classification Sherloc (09022015). Collection method: clinical testing. Allele origin: germline.

Quest Diagnostics Nichols Institute San Juan Capistrano
Classification: Likely benign. Last evaluated: 2025-10-10. Review status: criteria provided, single submitter. Criteria: Quest Diagnostics criteria. Collection method: clinical testing. Allele origin: unknown.

Center for Genomic Medicine, Rigshospitalet, Copenhagen University Hospital
Classification: Likely benign. Last evaluated: 2025-03-04. Review status: criteria provided, single submitter. Criteria: ACMG Guidelines, 2015. Collection method: clinical testing. Allele origin: germline.

Myriad Genetics, Inc.
Classification: Benign for Lynch syndrome 4. Last evaluated: 2025-01-30. Review status: criteria provided, single submitter. Criteria: Myriad Autosomal Dominant, Autosomal Recessive and X-Linked Classification Criteria (2023). Collection method: clinical testing. Allele origin: unknown.
Comment: This variant is considered benign. This variant is a silent/synonymous amino acid change and it is not expected to impact splicing.

All of Us Research Program, National Institutes of Health
Classification: Likely benign for Lynch syndrome. Last evaluated: 2023-12-01. Review status: criteria provided, single submitter. Criteria: ACMG Guidelines, 2015. Collection method: clinical testing. Allele origin: germline. Inheritance: Autosomal dominant inheritance. Observed: 6 variant alleles, 6 heterozygotes.
Comment: This study involves interpretation of variants in research participants for the purpose of population health screening. Participant phenotype was not available at the time of variant classification. Additional details can be found in publication PMID: 35346344, PMCID: PMC8962531

Sema4
Classification: Likely benign for Hereditary cancer-predisposing syndrome. Last evaluated: 2021-12-10. Review status: criteria provided, single submitter. Criteria: Sema4 Curation Guidelines. Collection method: curation. Allele origin: germline.

Women's Health and Genetics/Laboratory Corporation of America, LabCorp
Classification: Likely benign. Last evaluated: 2020-01-31. Review status: criteria provided, single submitter. Criteria: LabCorp Variant Classification Summary - May 2015. Collection method: clinical testing. Allele origin: germline.

PreventionGenetics, part of Exact Sciences
Classification: Likely benign. Last evaluated: 2016-12-08. Review status: criteria provided, single submitter. Criteria: ACMG Guidelines, 2015. Collection method: clinical testing. Allele origin: germline.

Color Diagnostics, LLC DBA Color Health
Classification: Likely benign for Hereditary cancer-predisposing syndrome. Last evaluated: 2016-03-02. Review status: criteria provided, single submitter. Criteria: ACMG Guidelines, 2015. Collection method: clinical testing. Allele origin: germline.

GeneDx
Classification: Benign. Last evaluated: 2015-03-17. Review status: criteria provided, single submitter. Criteria: GeneDx Variant Classification Process June 2021. Collection method: clinical testing. Allele origin: germline. Affected: yes.

Ambry Genetics
Classification: Likely benign for Hereditary cancer-predisposing syndrome. Last evaluated: 2015-02-03. Review status: criteria provided, single submitter. Criteria: Ambry Variant Classification Scheme 2023. Collection method: clinical testing. Allele origin: germline.

NM_000535.7(PMS2):c.1167A>G (p.Ala389=)

Gene: PMS2 (PMS1 homolog 2, mismatch repair system component; minus strand). Cytogenetic location: 7p22.1.
Variant type: single nucleotide variant.
Coding change: c.1167A>G on transcript NM_000535.7 (MANE Select); coding-DNA position 1167, A replaced by G.
Protein change: p.Ala389=; no amino-acid change (alanine 389 retained).
Molecular consequence: synonymous variant. On other transcripts: non-coding transcript variant (1).
Genome position (GRCh38, 1-based): chr7:5,987,598, T>C on the plus strand (A>G on the coding strand, the complement: PMS2 is on the minus strand). VCF-style: chr7-5987598-T-C. GRCh37 (hg19) VCF-style: chr7-6027229-T-C.
Other names: c.762A>G, p.Ala254= (NM_001322003.2, NM_001322004.2, NM_001322005.2 and 1 more transcripts); c.1011A>G, p.Ala337= (NM_001322006.2); c.849A>G, p.Ala283= (NM_001322007.2, NM_001322008.2); c.606A>G, p.Ala202= (NM_001322010.2); c.234A>G, p.Ala78= (NM_001322011.2, NM_001322012.2); c.594A>G, p.Ala198= (NM_001322013.2); c.1167A>G, p.Ala389= (NM_001322014.2); c.858A>G, p.Ala286= (NM_001322015.2).
Identifiers: ClinVar variation 230325 (VCV000230325.27), dbSNP rs748920792, ClinGen allele CA042369.